The following is an entry in ClinVar:

NM_002519.3(NPAT):c.2098T>C (p.Ser700Pro)

Gene: NPAT (nuclear protein, coactivator of histone transcription; minus strand). Cytogenetic location: 11q22.3.
Variant type: single nucleotide variant.
Coding change: c.2098T>C on transcript NM_002519.3 (MANE Select); coding-DNA position 2098, T replaced by C.
Protein change: p.Ser700Pro; replaces serine 700 with proline.
Molecular consequence: missense variant.
Genome position (GRCh38, 1-based): chr11:108,172,886, A>G on the plus strand (T>C on the coding strand, the complement: NPAT is on the minus strand). VCF-style: chr11-108172886-A-G. GRCh37 (hg19) VCF-style: chr11-108043613-A-G.
Other names: c.2098T>C, p.Ser700Pro (NM_001321307.1); short protein forms S700P.
Identifiers: ClinVar variation 2561419 (VCV002561419.2), dbSNP rs895878215, ClinGen allele CA228383978.

ClinVar aggregate classification (germline): Uncertain significance (1 of 4 stars; one submission).

Allele frequency attached by ClinVar (database versions not stated): TOPMed below 0.00001.

Submission:

Ambry Genetics
Classification: Uncertain significance. Last evaluated: 2023-04-07. Review status: criteria provided, single submitter. Criteria: Ambry Variant Classification Scheme 2023. Collection method: clinical testing. Allele origin: germline.
Comment: The p.S700P variant (also known as c.2098T>C), located in coding exon 13 of the NPAT gene, results from a T to C substitution at nucleotide position 2098. The serine at codon 700 is replaced by proline, an amino acid with similar properties. This amino acid position is conserved. In addition, this alteration is predicted to be tolerated by in silico analysis. Since supporting evidence is limited at this time, the clinical significance of this alteration remains unclear.